The following is an entry in ClinVar:

ClinVar aggregate classification (germline): Uncertain significance (1 of 4 stars; one submission).

Conditions:
Early-infantile DEE. Also called: Ohtahara syndrome; Early infantile epileptic encephalopathy; Early infantile epileptic encephalopathy with suppression bursts. Identifiers: Orphanet 1934, MedGen C0393706, MONDO:0800491.

Submission:

Labcorp Genetics (formerly Invitae), Labcorp
Classification: Uncertain significance for Early-infantile DEE. Last evaluated: 2020-08-21. Review status: criteria provided, single submitter. Criteria: Invitae Variant Classification Sherloc (09022015). Collection method: clinical testing. Allele origin: germline.
Comment: This sequence change replaces valine with leucine at codon 906 of the SCN1A protein (p.Val906Leu). The valine residue is highly conserved and there is a small physicochemical difference between valine and leucine. In summary, the available evidence is currently insufficient to determine the role of this variant in disease. Therefore, it has been classified as a Variant of Uncertain Significance. Algorithms developed to predict the effect of missense changes on protein structure and function (SIFT, PolyPhen-2, Align-GVGD) all suggest that this variant is likely to be disruptive, but these predictions have not been confirmed by published functional studies and their clinical significance is uncertain. This variant has not been reported in the literature in individuals with SCN1A-related conditions. This variant is not present in population databases (ExAC no frequency).

NM_001165963.4(SCN1A):c.2716G>C (p.Val906Leu)

Gene: SCN1A (sodium voltage-gated channel alpha subunit 1; minus strand). Cytogenetic location: 2q24.3.
Variant type: single nucleotide variant.
Coding change: c.2716G>C on transcript NM_001165963.4 (MANE Select); coding-DNA position 2716, G replaced by C.
Protein change: p.Val906Leu; replaces valine 906 with leucine.
Molecular consequence: missense variant. On other transcripts: non-coding transcript variant (1).
Genome position (GRCh38, 1-based): chr2:166,038,006, C>G on the plus strand (G>C on the coding strand, the complement: SCN1A is on the minus strand). VCF-style: chr2-166038006-C-G. GRCh37 (hg19) VCF-style: chr2-166894516-C-G.
Other names: c.2632G>C, p.Val878Leu (NM_001165964.3, NM_001353957.2, NM_001353958.2); c.2716G>C, p.Val906Leu (NM_001202435.3, NM_001353948.2); c.2683G>C, p.Val895Leu (NM_001353949.2, NM_001353950.2, NM_001353951.2 and 2 more transcripts); c.2680G>C, p.Val894Leu (NM_001353954.2, NM_001353955.2); c.2629G>C, p.Val877Leu (NM_001353960.2); c.274G>C, p.Val92Leu (NM_001353961.2); short protein forms V877L, V878L, V894L, V895L, V906L, V92L.
Identifiers: ClinVar variation 1027317 (VCV001027317.9), dbSNP rs185760342, ClinGen allele CA349061535.
Genomic context (GRCh38, chr2:166,038,006, plus strand): 5'-CACTGGCGATCTTGCAGACACAATCTTTGTAGCTTTTACCAAAGAGCTGCATGCCGACCA[C>G]GGCAAAAATGAAGACGATGATGGCCAAGACGAGGGTTAAATTTCCCAGAGCCCCCACGGA-3'
Protein context (NP_001159435.1, residues 896-916): VLAIIVFIFA[Val906Leu]VGMQLFGKSY